The following is an entry in ClinVar:

ClinVar aggregate classification (germline): Pathogenic (1 of 4 stars; one submission).

Conditions:
Facioscapulohumeral muscular dystrophy 2 (FSHD2). Also called: FACIOSCAPULOHUMERAL MUSCULAR DYSTROPHY 2, DIGENIC; FSHD2, DIGENIC; MUSCULAR DYSTROPHY, FACIOSCAPULOHUMERAL, TYPE 1B. Identifiers: Orphanet 269, MedGen C1834671, MONDO:0008031, OMIM 158901.

Submission:

Labcorp Genetics (formerly Invitae), Labcorp
Classification: Pathogenic for Facioscapulohumeral muscular dystrophy 2. Last evaluated: 2022-10-05. Review status: criteria provided, single submitter. Criteria: Invitae Variant Classification Sherloc (09022015). Collection method: clinical testing. Allele origin: germline.
Comment: For these reasons, this variant has been classified as Pathogenic. ClinVar contains an entry for this variant (Variation ID: 1074206). This variant has not been reported in the literature in individuals affected with SMCHD1-related conditions. This variant is not present in population databases (gnomAD no frequency). This sequence change creates a premature translational stop signal (p.Leu1258Hisfs*16) in the SMCHD1 gene. It is expected to result in an absent or disrupted protein product. Loss-of-function variants in SMCHD1 are known to be pathogenic (PMID: 23143600).

Literature cited by the submitters: PubMed 23143600.

NM_015295.3(SMCHD1):c.3772_3773insA (p.Leu1258fs)

Gene: SMCHD1 (structural maintenance of chromosomes flexible hinge domain containing 1; plus strand). Cytogenetic location: 18p11.32.
Variant type: Insertion.
Coding change: c.3772_3773insA on transcript NM_015295.3 (MANE Select); coding-DNA positions 3772 to 3773, A inserted.
Protein change: p.Leu1258fs; shifts the reading frame from leucine 1258.
Molecular consequence: frameshift variant.
Genome position: GRCh38 VCF-style: chr18-2743899-C-CA. GRCh37 (hg19) VCF-style: chr18-2743897-C-CA.
Other names: short protein forms L1258fs.
Identifiers: ClinVar variation 1074206 (VCV001074206.7), dbSNP rs2143570702, ClinGen allele CA2499225098.